The following is an entry in ClinVar:

ClinVar aggregate classification (germline): Uncertain significance (1 of 4 stars; one submission).

gnomAD v4.1: 6 of 1,613,832 alleles (0.00037%); highest among the groups gnomAD compares: Middle Eastern, 0.017%; no homozygotes.

Submission:

Labcorp Genetics (formerly Invitae), Labcorp
Classification: Uncertain significance. Last evaluated: 2025-05-11. Review status: criteria provided, single submitter. Criteria: Invitae Variant Classification Sherloc (09022015). Collection method: clinical testing. Allele origin: germline.
Comment: This sequence change replaces leucine, which is neutral and non-polar, with phenylalanine, which is neutral and non-polar, at codon 1297 of the SCN3A protein (p.Leu1297Phe). This variant is present in population databases (rs368817351, gnomAD 0.0009%). This variant has not been reported in the literature in individuals affected with SCN3A-related conditions. Invitae Evidence Modeling of protein sequence and biophysical properties (such as structural, functional, and spatial information, amino acid conservation, physicochemical variation, residue mobility, and thermodynamic stability) indicates that this missense variant is not expected to disrupt SCN3A protein function with a negative predictive value of 95%. In summary, the available evidence is currently insufficient to determine the role of this variant in disease. Therefore, it has been classified as a Variant of Uncertain Significance.

NM_006922.4(SCN3A):c.3889C>T (p.Leu1297Phe)

Gene: SCN3A (sodium voltage-gated channel alpha subunit 3; minus strand). Cytogenetic location: 2q24.3.
Variant type: single nucleotide variant.
Coding change: c.3889C>T on transcript NM_006922.4 (MANE Select); coding-DNA position 3889, C replaced by T.
Protein change: p.Leu1297Phe; replaces leucine 1297 with phenylalanine.
Molecular consequence: missense variant.
Genome position (GRCh38, 1-based): chr2:165,100,379, G>A on the plus strand (C>T on the coding strand, the complement: SCN3A is on the minus strand). VCF-style: chr2-165100379-G-A. GRCh37 (hg19) VCF-style: chr2-165956889-G-A.
Other names: c.3742C>T, p.Leu1248Phe (NM_001081676.2, NM_001081677.2); short protein forms L1248F, L1297F.
Identifiers: ClinVar variation 4738348 (VCV004738348.1).